The following is an entry in ClinVar:

ClinVar aggregate classification (germline): Benign. Review status: criteria provided, single submitter (1 of 4 stars). 2 submissions from 2 submitters: Benign (1). 1 of the submissions does not count toward it. Last evaluated 2025-09-06.

Conditions:
Infantile-onset ascending hereditary spastic paralysis (IAHSP). Also called: Autosomal Recessive Juvenile Amyotrophic Lateral Sclerosis; Infantile-Onset Ascending Hereditary Spastic Paralysis (IAHSP). Identifiers: Orphanet 293168, MedGen C2931441, MONDO:0011797, OMIM 607225. Disease mechanism: loss of function.
ALS2-related disorder. Also called: ALS2-Related Spectrum Disorders; ALS2-related disorders; ALS2-related condition. Identifiers: MedGen CN169291.

Allele frequency attached by ClinVar (database versions not stated): gnomAD 0.00005 and 0.00012; gnomAD exomes 0.00012 and 0.00025; TOPMed 0.00012; ExAC 0.00030; 1000 Genomes Project 0.00040; 1000 Genomes Project 30x 0.00062.
gnomAD v4.1: 201 of 1,614,182 alleles (0.012%); highest among the groups gnomAD compares: East Asian, 0.39%; no homozygotes.

Submissions (2):

Labcorp Genetics (formerly Invitae), Labcorp
Classification: Benign for Infantile-onset ascending hereditary spastic paralysis. Last evaluated: 2025-09-06. Review status: criteria provided, single submitter. Criteria: Invitae Variant Classification Sherloc (09022015). Collection method: clinical testing. Allele origin: germline.

PreventionGenetics, part of Exact Sciences
Classification: Likely benign for ALS2-related condition. Last evaluated: 2019-08-30. Review status: no assertion criteria provided. Collection method: clinical testing. Allele origin: germline. Not counted in ClinVar's aggregate classification.
Comment: This variant is classified as likely benign based on ACMG/AMP sequence variant interpretation guidelines (Richards et al. 2015 PMID: 25741868, with internal and published modifications).

NM_020919.4(ALS2):c.300C>T (p.Ser100=)

Gene: ALS2 (alsin Rho guanine nucleotide exchange factor ALS2; minus strand). Cytogenetic location: 2q33.1.
Variant type: single nucleotide variant.
Coding change: c.300C>T on transcript NM_020919.4 (MANE Select); coding-DNA position 300, C replaced by T.
Protein change: p.Ser100=; no amino-acid change (serine 100 retained).
Molecular consequence: synonymous variant.
Genome position (GRCh38, 1-based): chr2:201,761,694, G>A on the plus strand (C>T on the coding strand, the complement: ALS2 is on the minus strand). VCF-style: chr2-201761694-G-A. GRCh37 (hg19) VCF-style: chr2-202626417-G-A.
Other names: c.300C>T (NM_020919.3); c.300C>T, p.Ser100= (NM_001135745.2).
Identifiers: ClinVar variation 1598300 (VCV001598300.10), dbSNP rs41308808, ClinGen allele CA2058674.
Genomic context (GRCh38, chr2:201,761,694, plus strand): 5'-AGCAGAATTCTCTCCCCACATGTACGCGACACCATTGTCTGTCACTGCTCCACTATGGAA[G>A]CTTCCTGTTGCCACAGTAATAACATATTGCCCAACCAGGGCATTTTCTAGAATGGGGCTA-3'
Protein context (NP_065970.2, residues 90-110): GQYVITVATG[Ser100=]FHSGAVTDNG